The following is an entry in ClinVar:

NM_001035.3(RYR2):c.1561G>A (p.Glu521Lys)

Gene: RYR2 (ryanodine receptor 2; plus strand). Cytogenetic location: 1q43.
Variant type: single nucleotide variant.
Coding change: c.1561G>A on transcript NM_001035.3 (MANE Select); coding-DNA position 1561, G replaced by A.
Protein change: p.Glu521Lys; replaces glutamic acid 521 with lysine.
Molecular consequence: missense variant.
Genome position (GRCh38, 1-based): chr1:237,456,684, G>A. VCF-style: chr1-237456684-G-A. GRCh37 (hg19) VCF-style: chr1-237619984-G-A.
Other names: p.E521K:GAA>AAA; c.1561G>A, p.Glu521Lys (LRG_402t1); short protein forms E521K.
Identifiers: ClinVar variation 201217 (VCV000201217.16), dbSNP rs759494098, ClinGen allele CA008495.

ClinVar aggregate classification (germline): Conflicting classifications of pathogenicity. Review status: criteria provided, conflicting classifications (1 of 4 stars). 4 submissions from 4 submitters: Uncertain significance (1); Likely benign (3). Last evaluated 2024-02-13.

Conditions:
Cardiovascular phenotype. Identifiers: MedGen CN230736.
Cardiomyopathy (CMYO). Also called: Cardiomyopathies. Identifiers: Orphanet 167848, MedGen C0878544, MONDO:0004994, HP:0001638. Inheritance: Various modes of inheritance.
Catecholaminergic polymorphic ventricular tachycardia 1. Also called: RYR2-Related Catecholaminergic Polymorphic Ventricular Tachycardia; VENTRICULAR TACHYCARDIA, CATECHOLAMINERGIC POLYMORPHIC, 1, WITH OR WITHOUT ATRIAL DYSFUNCTION AND/OR DILATED CARDIOMYOPATHY; VENTRICULAR TACHYCARDIA, STRESS-INDUCED POLYMORPHIC 1. Identifiers: Orphanet 3286, MedGen C1631597, MONDO:0011484, OMIM 604772.

Allele frequency attached by ClinVar (database versions not stated): gnomAD exomes 0.00007 and 0.00008; ExAC 0.00009.
gnomAD v4.1: 43 of 1,613,640 alleles (0.0027%); highest among the groups gnomAD compares: East Asian, 0.094%; no homozygotes.

Submissions (4):

Labcorp Genetics (formerly Invitae), Labcorp
Classification: Likely benign for Catecholaminergic polymorphic ventricular tachycardia 1. Last evaluated: 2024-02-13. Review status: criteria provided, single submitter. Criteria: Invitae Variant Classification Sherloc (09022015). Collection method: clinical testing. Allele origin: germline.

Ambry Genetics
Classification: Likely benign for Cardiovascular phenotype. Last evaluated: 2023-11-20. Review status: criteria provided, single submitter. Criteria: Ambry Variant Classification Scheme 2023. Collection method: clinical testing. Allele origin: germline.

Color Diagnostics, LLC DBA Color Health
Classification: Likely benign for Cardiomyopathy. Last evaluated: 2019-06-19. Review status: criteria provided, single submitter. Criteria: ACMG Guidelines, 2015. Collection method: clinical testing. Allele origin: germline.

GeneDx
Classification: Uncertain significance. Last evaluated: 2018-06-11. Review status: criteria provided, single submitter. Criteria: GeneDx Variant Classification (06012015). Collection method: clinical testing. Allele origin: germline. Affected: yes.
Comment: A variant of uncertain significance has been identified in the RYR2 gene. The E521K variant has not been published as pathogenic or been reported as benign to our knowledge. This variant is observed in 18/17234 (0.1%) alleles from individuals of East Asian ancestry in large population cohorts (Lek et al., 2016). Additionally, the E521K variant is not located in one of the three hot-spot regions of the RYR2 gene, where the majority of pathogenic missense variants occur (Medeiros-Domingo et al., 2009). Nonetheless, the E521K variant is a non-conservative amino acid substitution, which is likely to impact secondary protein structure as these residues differ in polarity, charge, size and/or other properties. In-silico analyses, including protein predictors and evolutionary conservation, support a deleterious effect. Therefore, based on the currently available information, it is unclear whether this variant is pathogenic or rare benign.